The following is an entry in ClinVar:

ClinVar aggregate classification (germline): Uncertain significance. Review status: criteria provided, multiple submitters, no conflicts (2 of 4 stars). 2 submissions from 2 submitters: Uncertain significance (2). Last evaluated 2023-09-20.

Conditions:
Absence seizure. Also called: Absence epilepsy. Identifiers: Orphanet 1941, MedGen C0014553.
Myoclonic epilepsy, juvenile, susceptibility to, 1. Also called: Myoclonic Epilepsy, Juvenile, 1; EJM1. Identifiers: MedGen C1850778, MONDO:0020752, OMIM 254770.

gnomAD v4.1: 3 of 1,614,054 alleles (0.00019%); highest among the groups gnomAD compares: Non-Finnish European, 0.00025%; no homozygotes.

Submissions (2):

Ambry Genetics
Classification: Uncertain significance. Last evaluated: 2023-09-20. Review status: criteria provided, single submitter. Criteria: Ambry Variant Classification Scheme 2023. Collection method: clinical testing. Allele origin: germline.

Labcorp Genetics (formerly Invitae), Labcorp
Classification: Uncertain significance for Myoclonic epilepsy, juvenile, susceptibility to, 1; Absence seizure. Last evaluated: 2022-07-12. Review status: criteria provided, single submitter. Criteria: Invitae Variant Classification Sherloc (09022015). Collection method: clinical testing. Allele origin: germline.
Comment: ClinVar contains an entry for this variant (Variation ID: 998730). Algorithms developed to predict the effect of missense changes on protein structure and function (SIFT, PolyPhen-2, Align-GVGD) all suggest that this variant is likely to be disruptive. In summary, the available evidence is currently insufficient to determine the role of this variant in disease. Therefore, it has been classified as a Variant of Uncertain Significance. This variant has not been reported in the literature in individuals affected with EFHC1-related conditions. This sequence change replaces arginine, which is basic and polar, with glycine, which is neutral and non-polar, at codon 437 of the EFHC1 protein (p.Arg437Gly). This variant is not present in population databases (gnomAD no frequency).

NM_018100.4(EFHC1):c.1309A>G (p.Arg437Gly)

Gene: EFHC1 (EF-hand domain containing 1; plus strand). Cytogenetic location: 6p12.2.
Variant type: single nucleotide variant.
Coding change: c.1309A>G on transcript NM_018100.4 (MANE Select); coding-DNA position 1309, A replaced by G.
Protein change: p.Arg437Gly; replaces arginine 437 with glycine.
Molecular consequence: missense variant. On other transcripts: non-coding transcript variant (1).
Genome position (GRCh38, 1-based): chr6:52,479,067, A>G. VCF-style: chr6-52479067-A-G. GRCh37 (hg19) VCF-style: chr6-52343865-A-G.
Other names: c.1252A>G, p.Arg418Gly (NM_001172420.2); c.1309A>G (NM_018100.3); short protein forms R418G, R437G.
Identifiers: ClinVar variation 998730 (VCV000998730.49), dbSNP rs776277918, ClinGen allele CA364456955.